The following is an entry in ClinVar:

NM_000891.3(KCNJ2):c.644G>A (p.Gly215Asp)

Gene: KCNJ2 (potassium inwardly rectifying channel subfamily J member 2; plus strand). Cytogenetic location: 17q24.3.
Variant type: single nucleotide variant.
Coding change: c.644G>A on transcript NM_000891.3 (MANE Select); coding-DNA position 644, G replaced by A.
Protein change: p.Gly215Asp; replaces glycine 215 with aspartic acid.
Molecular consequence: missense variant.
Genome position (GRCh38, 1-based): chr17:70,175,683, G>A. VCF-style: chr17-70175683-G-A. GRCh37 (hg19) VCF-style: chr17-68171824-G-A.
Other names: c.644G>A (LRG_328t1); short protein forms G215D.
Identifiers: ClinVar variation 67583 (VCV000067583.7), dbSNP rs199473383, ClinGen allele CA329693.

ClinVar aggregate classification (germline): Pathogenic. Review status: criteria provided, single submitter (1 of 4 stars). 2 submissions from 2 submitters: Pathogenic (1). 1 of the submissions does not count toward it. Last evaluated 2020-02-12.

Conditions:
Familial long QT syndrome (RWS). Also called: Congenital long QT syndrome; Romano-Ward syndrome; VENTRICULAR FIBRILLATION WITH PROLONGED QT INTERVAL. Identifiers: Orphanet 768, MedGen C1141890, MONDO:0019171.
Andersen Tawil syndrome (LQT7). Also called: ANDERSEN CARDIODYSRHYTHMIC PERIODIC PARALYSIS; Andersen Syndrome; Potassium-sensitive periodic paralysis, ventricular ectopy, and dysmorphic features; LONG QT SYNDROME 7; PERIODIC PARALYSIS, POTASSIUM-SENSITIVE CARDIODYSRHYTHMIC TYPE. Identifiers: Orphanet 37553, MedGen C1563715, MONDO:0008222, OMIM 170390.
Short QT syndrome type 3. Identifiers: Orphanet 51083, MedGen C1865018, MONDO:0012314, OMIM 609622.

Submissions (2):

Labcorp Genetics (formerly Invitae), Labcorp
Classification: Pathogenic for Short QT syndrome type 3; Andersen Tawil syndrome. Last evaluated: 2020-02-12. Review status: criteria provided, single submitter. Criteria: Invitae Variant Classification Sherloc (09022015). Collection method: clinical testing. Allele origin: germline.
Comment: This variant is not present in population databases (rs199473383, ExAC no frequency). This variant has been reported in several individuals and families affected with Andersen-Tawil syndrome (PMID: 12689820, 17221872, 20382953, 26927354). ClinVar contains an entry for this variant (Variation ID: 67583). Experimental studies have shown that this missense change has a dominant-negative effect on channel activity (PMID: 12689820). For these reasons, this variant has been classified as Pathogenic. This sequence change replaces glycine with aspartic acid at codon 215 of the KCNJ2 protein (p.Gly215Asp). The glycine residue is highly conserved and there is a moderate physicochemical difference between glycine and aspartic acid.

Cardiovascular Biomedical Research Unit, Royal Brompton & Harefield NHS Foundation Trust
No classification provided. Condition: Familial long QT syndrome. Review status: no classification provided. Collection method: literature only. Allele origin: germline. Not counted in ClinVar's aggregate classification.
Comment: This variant has been reported in the following publications (PMID:12689820;PMID:17221872).

Literature cited by the submitters: PubMed 12689820 (cited by Labcorp Genetics (formerly Invitae), Labcorp and Cardiovascular Biomedical Research Unit, Royal Brompton & Harefield NHS Foundation Trust); PubMed 17221872 (cited by Labcorp Genetics (formerly Invitae), Labcorp and Cardiovascular Biomedical Research Unit, Royal Brompton & Harefield NHS Foundation Trust); PubMed 20382953 (cited by Labcorp Genetics (formerly Invitae), Labcorp); PubMed 26927354 (cited by Labcorp Genetics (formerly Invitae), Labcorp); PubMed 22581653 (cited by Cardiovascular Biomedical Research Unit, Royal Brompton & Harefield NHS Foundation Trust).